The following is an entry in ClinVar:

NM_152515.5(CKAP2L):c.55C>T (p.Leu19Phe)

Gene: CKAP2L (cytoskeleton associated protein 2 like; minus strand). Cytogenetic location: 2q14.1.
Variant type: single nucleotide variant.
Coding change: c.55C>T on transcript NM_152515.5 (MANE Select); coding-DNA position 55, C replaced by T.
Protein change: p.Leu19Phe; replaces leucine 19 with phenylalanine.
Molecular consequence: missense variant. On other transcripts: 5 prime UTR variant (1), non-coding transcript variant (1).
Genome position (GRCh38, 1-based): chr2:112,762,552, G>A on the plus strand (C>T on the coding strand, the complement: CKAP2L is on the minus strand). VCF-style: chr2-112762552-G-A. GRCh37 (hg19) VCF-style: chr2-113520129-G-A.
Other names: c.-382C>T (NM_001304361.2); short protein forms L19F.
Identifiers: ClinVar variation 1280816 (VCV001280816.12), dbSNP rs36093393, ClinGen allele CA1836946.

ClinVar aggregate classification (germline): Benign. Review status: criteria provided, multiple submitters, no conflicts (2 of 4 stars). 4 submissions from 4 submitters: Benign (3). 1 of the submissions does not count toward it. Last evaluated 2026-02-01.

Conditions:
CKAP2L-related disorder. Also called: CKAP2L-related condition.

Allele frequency attached by ClinVar (database versions not stated): gnomAD 0.05627 and 0.05432; ExAC 0.06019; 1000 Genomes Project 30x 0.03232; ESP Exome Variant Server 0.06251; 1000 Genomes Project 0.03295; TOPMed 0.05610; gnomAD exomes 0.05828 and 0.07557.
gnomAD v4.1: 118,391 of 1,612,868 alleles (7.3%); highest among the groups gnomAD compares: Non-Finnish European, 8.5%; 4,985 homozygotes.

Submissions (4):

Labcorp Genetics (formerly Invitae), Labcorp
Classification: Benign. Last evaluated: 2026-02-01. Review status: criteria provided, single submitter. Criteria: Invitae Variant Classification Sherloc (09022015). Collection method: clinical testing. Allele origin: germline.

GeneDx
Classification: Benign. Last evaluated: 2021-06-09. Review status: criteria provided, single submitter. Criteria: GeneDx Variant Classification Process June 2021. Collection method: clinical testing. Allele origin: germline. Affected: yes.

Breakthrough Genomics
Classification: Benign. Review status: criteria provided, single submitter. Criteria: ACMG Guidelines, 2015. Collection method: not provided. Allele origin: germline. Inheritance: Autosomal recessive inheritance. Affected: yes.

PreventionGenetics, part of Exact Sciences
Classification: Benign for CKAP2L-related condition. Last evaluated: 2019-09-24. Review status: no assertion criteria provided. Collection method: clinical testing. Allele origin: germline. Not counted in ClinVar's aggregate classification.
Comment: This variant is classified as benign based on ACMG/AMP sequence variant interpretation guidelines (Richards et al. 2015 PMID: 25741868, with internal and published modifications).